The following is an entry in ClinVar:

NM_001220.5(CAMK2B):c.697-6C>A

Gene: CAMK2B (calcium/calmodulin dependent protein kinase II beta; minus strand). Cytogenetic location: 7p13.
Variant type: single nucleotide variant.
Coding change: c.697-6C>A on transcript NM_001220.5 (MANE Select); 6 bases into the intron before coding-DNA position 697, C replaced by A.
Molecular consequence: intron variant.
Genome position (GRCh38, 1-based): chr7:44,242,346, G>T on the plus strand (C>A on the coding strand, the complement: CAMK2B is on the minus strand). VCF-style: chr7-44242346-G-T. GRCh37 (hg19) VCF-style: chr7-44281945-G-T.
Other names: c.697-6C>A (NM_172084.3, NM_172080.3, NM_172083.3 and 5 more transcripts).
Identifiers: ClinVar variation 3693413 (VCV003693413.2).

ClinVar aggregate classification (germline): Uncertain significance (1 of 4 stars; one submission).

gnomAD v4.1: 3 of 1,612,364 alleles (0.00019%); highest among the groups gnomAD compares: African/African-American, 0.004%; no homozygotes.

Submission:

Labcorp Genetics (formerly Invitae), Labcorp
Classification: Uncertain significance. Last evaluated: 2024-06-29. Review status: criteria provided, single submitter. Criteria: Invitae Variant Classification Sherloc (09022015). Collection method: clinical testing. Allele origin: germline.
Comment: This sequence change falls in intron 9 of the CAMK2B gene. It does not directly change the encoded amino acid sequence of the CAMK2B protein. This variant is not present in population databases (gnomAD no frequency). This variant has not been reported in the literature in individuals affected with CAMK2B-related conditions. Algorithms developed to predict the effect of sequence changes on RNA splicing suggest that this variant may disrupt the consensus splice site. In summary, the available evidence is currently insufficient to determine the role of this variant in disease. Therefore, it has been classified as a Variant of Uncertain Significance.